The following is an entry in ClinVar:

NM_001145860.2(POP1):c.548G>A (p.Arg183Lys)

Gene: POP1 (POP1 homolog, ribonuclease P/MRP subunit; plus strand). Cytogenetic location: 8q22.2.
Variant type: single nucleotide variant.
Coding change: c.548G>A on transcript NM_001145860.2 (MANE Select); coding-DNA position 548, G replaced by A.
Protein change: p.Arg183Lys; replaces arginine 183 with lysine.
Molecular consequence: missense variant.
Genome position (GRCh38, 1-based): chr8:98,130,039, G>A. VCF-style: chr8-98130039-G-A. GRCh37 (hg19) VCF-style: chr8-99142267-G-A.
Other names: c.548G>A, p.Arg183Lys (NM_001145861.2, NM_015029.3); short protein forms R183K.
Identifiers: ClinVar variation 1371190 (VCV001371190.5), dbSNP rs374877792, ClinGen allele CA4820350.

ClinVar aggregate classification (germline): Uncertain significance (1 of 4 stars; one submission).

Allele frequency attached by ClinVar (database versions not stated): gnomAD exomes 0.00001; TOPMed 0.00001; ExAC 0.00002; gnomAD 0.00002; ESP Exome Variant Server 0.00008.
gnomAD v4.1: 18 of 1,613,978 alleles (0.0011%); highest among the groups gnomAD compares: Non-Finnish European, 0.0014%; no homozygotes.

Submission:

Labcorp Genetics (formerly Invitae), Labcorp
Classification: Uncertain significance. Last evaluated: 2021-08-31. Review status: criteria provided, single submitter. Criteria: Invitae Variant Classification Sherloc (09022015). Collection method: clinical testing. Allele origin: germline.
Comment: This sequence change replaces arginine with lysine at codon 183 of the POP1 protein (p.Arg183Lys). The arginine residue is moderately conserved and there is a small physicochemical difference between arginine and lysine. This variant is present in population databases (rs374877792, ExAC 0.003%). This variant has not been reported in the literature in individuals affected with POP1-related conditions. Algorithms developed to predict the effect of missense changes on protein structure and function are either unavailable or do not agree on the potential impact of this missense change (SIFT: "Tolerated"; PolyPhen-2: "Probably Damaging"; Align-GVGD: "Class C0"). In summary, the available evidence is currently insufficient to determine the role of this variant in disease. Therefore, it has been classified as a Variant of Uncertain Significance.